The following is an entry in ClinVar:

NM_032638.5(GATA2):c.43G>T (p.Ala15Ser)

Gene: GATA2 (GATA binding protein 2; minus strand). Cytogenetic location: 3q21.3.
Variant type: single nucleotide variant.
Coding change: c.43G>T on transcript NM_032638.5 (MANE Select); coding-DNA position 43, G replaced by T.
Protein change: p.Ala15Ser; replaces alanine 15 with serine.
Molecular consequence: missense variant.
Genome position (GRCh38, 1-based): chr3:128,486,989, C>A on the plus strand (G>T on the coding strand, the complement: GATA2 is on the minus strand). VCF-style: chr3-128486989-C-A. GRCh37 (hg19) VCF-style: chr3-128205832-C-A.
Other names: c.43G>T, p.Ala15Ser (NM_001145661.2, NM_001145662.1); short protein forms A15S.
Identifiers: ClinVar variation 3519002 (VCV003519002.1).

ClinVar aggregate classification (germline): Uncertain significance (1 of 4 stars; one submission).

Conditions:
Inborn genetic diseases. Identifiers: MedGen C0950123, MeSH D030342.

Submission:

Ambry Genetics
Classification: Uncertain significance for Inborn genetic diseases. Last evaluated: 2024-11-30. Review status: criteria provided, single submitter. Criteria: Ambry Variant Classification Scheme 2023. Collection method: clinical testing. Allele origin: germline.
Comment: The p.A15S variant (also known as c.43G>T), located in coding exon 1 of the GATA2 gene, results from a G to T substitution at nucleotide position 43. The alanine at codon 15 is replaced by serine, an amino acid with similar properties. This amino acid position is conserved. In addition, the in silico prediction for this alteration is inconclusive. Based on the available evidence, the clinical significance of this variant remains unclear.